The following is an entry in ClinVar:

NM_203486.3(DLL3):c.652+2T>A

Genes: DLL3 (delta like canonical Notch ligand 3; plus strand), LOC130064417 (ATAC-STARR-seq lymphoblastoid silent region 10608; plus strand). Cytogenetic location: 19q13.2.
Variant type: single nucleotide variant.
Coding change: c.652+2T>A on transcript NM_203486.3 (MANE Select); the canonical splice donor site of the intron after coding-DNA position 652, T replaced by A.
Molecular consequence: splice donor variant.
Genome position (GRCh38, 1-based): chr19:39,503,059, T>A. VCF-style: chr19-39503059-T-A. GRCh37 (hg19) VCF-style: chr19-39993699-T-A.
Other names: c.652+2T>A (NM_016941.4).
Identifiers: ClinVar variation 3696373 (VCV003696373.2).

ClinVar aggregate classification (germline): Likely pathogenic (1 of 4 stars; one submission).

gnomAD v4.1: 2 of 1,522,414 alleles (0.00013%); highest among the groups gnomAD compares: African/African-American, 0.0014%; no homozygotes.

Submission:

Labcorp Genetics (formerly Invitae), Labcorp
Classification: Likely pathogenic. Last evaluated: 2024-11-22. Review status: criteria provided, single submitter. Criteria: Invitae Variant Classification Sherloc (09022015). Collection method: clinical testing. Allele origin: germline.
Comment: This sequence change affects a donor splice site in intron 4 of the DLL3 gene. It is expected to disrupt RNA splicing. Variants that disrupt the donor or acceptor splice site typically lead to a loss of protein function (PMID: 16199547), and loss-of-function variants in DLL3 are known to be pathogenic (PMID: 12746394). This variant is not present in population databases (gnomAD no frequency). This variant has not been reported in the literature in individuals affected with DLL3-related conditions. Algorithms developed to predict the effect of sequence changes on RNA splicing suggest that this variant may disrupt the consensus splice site. In summary, the currently available evidence indicates that the variant is pathogenic, but additional data are needed to prove that conclusively. Therefore, this variant has been classified as Likely Pathogenic.

Literature cited by the submitters: PubMed 16199547; PubMed 12746394.